The following is an entry in ClinVar:

GRCh38/hg38 2p13.2(chr2:71643868-71644161)x0

Gene: DYSF (dysferlin; plus strand). Cytogenetic location: 2p13.2.
Variant type: copy number loss.
Change: copy number 0 (both copies lost) of chr2:71,643,868-71,644,161 (0.3 kb, GRCh38 coordinates, 1-based), cytogenetic band 2p13.2.
Identifiers: ClinVar variation 2579223 (VCV002579223.1).

ClinVar aggregate classification (germline): Uncertain significance (1 of 4 stars; one submission).

Conditions:
Autosomal recessive limb-girdle muscular dystrophy type 2B (LGMDR2). Also called: Limb-girdle muscular dystrophy, type 2B; Limb-Girdle Muscular Dystrophy Type 2B (LGMD2B); MUSCULAR DYSTROPHY, LIMB-GIRDLE, TYPE 3; MUSCULAR DYSTROPHY, LIMB-GIRDLE, AUTOSOMAL RECESSIVE 2. Identifiers: Orphanet 268, MedGen C1850889, MONDO:0009676, OMIM 253601.

Submission:

Broad Center for Mendelian Genomics, Broad Institute of MIT and Harvard
Classification: Uncertain significance for Autosomal recessive limb-girdle muscular dystrophy type 2B. Last evaluated: 2023-08-24. Review status: criteria provided, single submitter. Criteria: ACMG/ClinGen CNV Guidelines, 2019. Collection method: research. Allele origin: unknown. Inheritance: Autosomal recessive inheritance. Affected: yes.
Comment: These breakpoints have been estimated by exome sequencing only and therefore may not reflect the true breakpoints. Inheritance information is unavailable. The patient phenotype is nonspecific, but is consistent with cases described in the literature and/or published databases with overlapping variants. This variant is a deletion of 1 exon and is not predicted to alter the protein reading-frame. It is unclear if this deletion will impact the protein. Loss of function of DYSF is an established disease mechanism in autosomal recessive limb-girdle muscular dystrophy. In summary, the clinical significance of the variant is uncertain. The ACMG/ClinGen evidence codes and points used in this curation are as follows: 1: 0 points, 2: 0.30 points, 3: 0 points, 4-5: 0.15 points; Total: 0.45 points; Riggs 2020 (PMID: 31690835).